The following is an entry in ClinVar:

NM_001197104.2(KMT2A):c.4627A>G (p.Lys1543Glu)

Gene: KMT2A (lysine methyltransferase 2A; plus strand). Cytogenetic location: 11q23.3.
Variant type: single nucleotide variant.
Coding change: c.4627A>G on transcript NM_001197104.2 (MANE Select); coding-DNA position 4627, A replaced by G.
Protein change: p.Lys1543Glu; replaces lysine 1543 with glutamic acid.
Molecular consequence: missense variant.
Genome position (GRCh38, 1-based): chr11:118,490,180, A>G. VCF-style: chr11-118490180-A-G. GRCh37 (hg19) VCF-style: chr11-118360895-A-G.
Other names: c.4726A>G, p.Lys1576Glu (NM_001412597.1); c.4627A>G, p.Lys1543Glu (NM_005933.4); short protein forms K1543E, K1576E.
Identifiers: ClinVar variation 3660194 (VCV003660194.2).

ClinVar aggregate classification (germline): Uncertain significance (1 of 4 stars; one submission).

gnomAD v4.1: 20 of 1,609,242 alleles (0.0012%); highest among the groups gnomAD compares: Non-Finnish European, 0.0016%; no homozygotes.

Submission:

Labcorp Genetics (formerly Invitae), Labcorp
Classification: Uncertain significance. Last evaluated: 2026-01-26. Review status: criteria provided, single submitter. Criteria: Invitae Variant Classification Sherloc (09022015). Collection method: clinical testing. Allele origin: germline.
Comment: This sequence change replaces lysine, which is basic and polar, with glutamic acid, which is acidic and polar, at codon 1543 of the KMT2A protein (p.Lys1543Glu). The frequency data for this variant in the population databases is considered unreliable, as metrics indicate poor data quality at this position in the gnomAD database. This variant has not been reported in the literature in individuals affected with KMT2A-related conditions. ClinVar contains an entry for this variant (Variation ID: 3660194). Invitae Evidence Modeling of protein sequence and biophysical properties (such as structural, functional, and spatial information, amino acid conservation, physicochemical variation, residue mobility, and thermodynamic stability) indicates that this missense variant is expected to disrupt KMT2A protein function with a positive predictive value of 80%. In summary, the available evidence is currently insufficient to determine the role of this variant in disease. Therefore, it has been classified as a Variant of Uncertain Significance.